The following is an entry in ClinVar:

NM_005076.5(CNTN2):c.533C>T (p.Pro178Leu)

Gene: CNTN2 (contactin 2; plus strand). Cytogenetic location: 1q32.1.
Variant type: single nucleotide variant.
Coding change: c.533C>T on transcript NM_005076.5 (MANE Select); coding-DNA position 533, C replaced by T.
Protein change: p.Pro178Leu; replaces proline 178 with leucine.
Molecular consequence: missense variant. On other transcripts: non-coding transcript variant (1).
Genome position (GRCh38, 1-based): chr1:205,059,129, C>T. VCF-style: chr1-205059129-C-T. GRCh37 (hg19) VCF-style: chr1-205028257-C-T.
Other names: c.533C>T, p.Pro178Leu (NM_001346083.2); c.533C>T (NM_005076.3); short protein forms P178L.
Identifiers: ClinVar variation 1904573 (VCV001904573.3), dbSNP rs762044462, ClinGen allele CA1351073.
Genomic context (GRCh38, chr1:205,059,129, plus strand): 5'-CTCCTCACATCCTAGGCTTGTCCTACCGCTGGCTCCTCAACGAGTTCCCCAACTTCATCC[C>T]GACGGACGGGCGTCACTTCGTGTCCCAGACCACAGGGAACCTGTACATTGCCCGAACCAA-3'
Protein context (NP_005067.1, residues 168-188): WLLNEFPNFI[Pro178Leu]TDGRHFVSQT

ClinVar aggregate classification (germline): Uncertain significance. Review status: criteria provided, multiple submitters, no conflicts (2 of 4 stars). 2 submissions from 2 submitters: Uncertain significance (2). Last evaluated 2025-05-19.

Conditions:
Epilepsy, familial adult myoclonic, 5 (EPEO5). Also called: CORTICAL MYOCLONIC TREMOR WITH EPILEPSY, FAMILIAL, 5. Identifiers: Orphanet 86814, MedGen C3809374, MONDO:0014167, OMIM 615400.

Allele frequency attached by ClinVar (database versions not stated): ExAC 0.00002; gnomAD 0.00001.
gnomAD v4.1: 30 of 1,614,092 alleles (0.0019%); highest among the groups gnomAD compares: Non-Finnish European, 0.0024%; no homozygotes.

Submissions (2):

Ambry Genetics
Classification: Uncertain significance. Last evaluated: 2025-05-19. Review status: criteria provided, single submitter. Criteria: Ambry Variant Classification Scheme 2023. Collection method: clinical testing. Allele origin: germline.

Labcorp Genetics (formerly Invitae), Labcorp
Classification: Uncertain significance for Epilepsy, familial adult myoclonic, 5. Last evaluated: 2022-05-04. Review status: criteria provided, single submitter. Criteria: Invitae Variant Classification Sherloc (09022015). Collection method: clinical testing. Allele origin: germline.
Comment: This sequence change replaces proline, which is neutral and non-polar, with leucine, which is neutral and non-polar, at codon 178 of the CNTN2 protein (p.Pro178Leu). This variant is present in population databases (rs762044462, gnomAD 0.006%). This variant has not been reported in the literature in individuals affected with CNTN2-related conditions. Advanced modeling of protein sequence and biophysical properties (such as structural, functional, and spatial information, amino acid conservation, physicochemical variation, residue mobility, and thermodynamic stability) performed at Invitae indicates that this missense variant is not expected to disrupt CNTN2 protein function. Algorithms developed to predict the effect of sequence changes on RNA splicing suggest that this variant may create or strengthen a splice site. In summary, the available evidence is currently insufficient to determine the role of this variant in disease. Therefore, it has been classified as a Variant of Uncertain Significance.